The following is an entry in ClinVar:

ClinVar aggregate classification (germline): Pathogenic (1 of 4 stars; one submission).

Submission:

Labcorp Genetics (formerly Invitae), Labcorp
Classification: Pathogenic. Last evaluated: 2022-07-26. Review status: criteria provided, single submitter. Criteria: Invitae Variant Classification Sherloc (09022015). Collection method: clinical testing. Allele origin: germline.
Comment: This variant is a gross deletion of the genomic region encompassing exon(s) 1 of the RS1 gene, which includes the initiator codon. This deletion extends beyond the assayed region for this gene and therefore may encompass additional genes. It is expected to result in an absent or disrupted protein product. Loss-of-function variants in RS1 are known to be pathogenic (PMID: 9618178, 17172462). A similar copy number variant has been observed in individuals with retinoschisis (PMID: 9618178, 10220153). For these reasons, this variant has been classified as Pathogenic.

Literature cited by the submitters: PubMed 9618178; PubMed 17172462; PubMed 10220153.

NC_000023.10:g.(?_18690117)_(18690188_?)del

Gene: RS1 (retinoschisin 1; minus strand). Cytogenetic location: Xp22.13.
Variant type: Deletion.
Identifiers: ClinVar variation 2422903 (VCV002422903.3).